The following is an entry in ClinVar:

ClinVar aggregate classification (germline): Likely pathogenic (1 of 4 stars; one submission).

Conditions:
BBS4-related disorder. Also called: BBS4-related condition.

Submission:

PreventionGenetics, part of Exact Sciences
Classification: Likely pathogenic for BBS4-related condition. Last evaluated: 2026-03-14. Review status: criteria provided, single submitter. Criteria: ACMG Guidelines, 2015. Collection method: clinical testing. Allele origin: germline.
Comment: The BBS4 c.565G>T variant is predicted to result in premature protein termination (p.Glu189*). This variant has not been reported in the literature in individuals with BBS4-related disorders. This variant is reported in 0.0062% of alleles in individuals of African descent in gnomAD. Nonsense variants in BBS4 are expected to be pathogenic. This variant is interpreted as likely pathogenic.

NM_033028.5(BBS4):c.565G>T (p.Glu189Ter)

Gene: BBS4 (Bardet-Biedl syndrome 4; plus strand). Cytogenetic location: 15q24.1.
Variant type: single nucleotide variant.
Coding change: c.565G>T on transcript NM_033028.5 (MANE Select); coding-DNA position 565, G replaced by T.
Protein change: p.Glu189Ter; replaces glutamic acid 189 with a stop codon.
Molecular consequence: nonsense. On other transcripts: non-coding transcript variant (2).
Genome position (GRCh38, 1-based): chr15:72,724,633, G>T. VCF-style: chr15-72724633-G-T. GRCh37 (hg19) VCF-style: chr15-73016974-G-T.
Other names: c.49G>T, p.Glu17Ter (NM_001252678.2); c.565G>T, p.Glu189Ter (NM_001320665.2); short protein forms E17*, E189*.
Identifiers: ClinVar variation 4981706 (VCV004981706.1).